The following is an entry in ClinVar:

NM_014231.5(VAMP1):c.340del (p.Ile114fs)

Genes: TAPBPL (TAP binding protein like; plus strand), VAMP1 (vesicle associated membrane protein 1; minus strand). Cytogenetic location: 12p13.31.
Variant type: Deletion.
Coding change: c.340del on transcript NM_014231.5 (MANE Select); coding-DNA position 340, one base deleted (A; older notation c.340delA).
Protein change: p.Ile114fs; shifts the reading frame from isoleucine 114.
Molecular consequence: frameshift variant. On other transcripts: non-coding transcript variant (1).
Genome position (GRCh38, 1-based): chr12:6,464,890, T deleted on the plus strand (A on the coding strand, the reverse complement: VAMP1 is on the minus strand); the first of 2 consecutive T bases (chr12:6,464,890-6,464,891); deleting either gives the same sequence. VCF-style (leftmost placement, unchanged base first): chr12-6464889-CT-C. GRCh37 (hg19) VCF-style: chr12-6574055-CT-C.
Other names: c.340del, p.Arg114fs (NM_001297438.2, NM_016830.4); c.340del, p.Ser114fs (NM_199245.3); c.340del (NM_014231.3); c.340delA (NM_014231.5); short protein forms R114fs, I114fs, S114fs.
Identifiers: ClinVar variation 619001 (VCV000619001.17), dbSNP rs746220436, ClinGen allele CA6407618.

ClinVar aggregate classification (germline): Pathogenic/Likely pathogenic. Review status: criteria provided, multiple submitters, no conflicts (2 of 4 stars). 8 submissions from 8 submitters: Pathogenic (1); Likely pathogenic (5). 2 of the submissions do not count toward it. Last evaluated 2025-03-06.

Conditions:
Myasthenic syndrome, congenital, 25, presynaptic. Also called: Myasthenic syndrome, congenital, 25. Identifiers: MedGen C5193027, MONDO:0032675, OMIM 618323.
Spastic ataxia 1. Also called: Ataxia, spastic, 1, autosomal dominant. Identifiers: Orphanet 251282, MedGen C1970107, MONDO:0007164, OMIM 108600.
Spastic paraplegia. Identifiers: MedGen C0037772, HP:0001258.
VAMP1-related disorder. Also called: VAMP1-Related Disorders; VAMP1-related condition.

Submissions (8):

Variantyx, Inc.
Classification: Likely pathogenic for Myasthenic syndrome, congenital, 25, presynaptic. Last evaluated: 2025-03-06. Review status: criteria provided, single submitter. Criteria: Variantyx Assertion Criteria 2022. Collection method: clinical testing. Allele origin: germline. Inheritance: Autosomal recessive inheritance. Affected: no.
Comment: This is a frameshift variant in the VAMP1 gene (OMIM: 185880). Pathogenic variants in this gene have been associated with autosomal recessive congenital myasthenic syndrome 25. This variant introduces a premature termination codon in exon 4 out of 5. It is not expected to result in nonsense-mediated mRNA decay and a truncated protein may be produced (PM4). It has been identified in the homozygous or compound heterozygous state in at least one individual reported in the published literature (PMID: 28168212) (PM3). Functional studies have shown that this variant alters VAMP1 protein function (PMID: 28168212) (PS3_Moderate). This variant has a 0.0067% maximum allele frequency in non-founder control populations (PM2). Based on the current evidence, this variant is classified as likely pathogenic for autosomal recessive congenital myasthenic syndrome 25.

Women's Health and Genetics/Laboratory Corporation of America, LabCorp
Classification: Likely pathogenic for VAMP1-Related Disorders. Last evaluated: 2024-03-04. Review status: criteria provided, single submitter. Criteria: LabCorp Variant Classification Summary - May 2015. Collection method: clinical testing. Allele origin: germline.
Comment: Variant summary: VAMP1 c.340delA (p.Ile114SerfsX72) causes a frameshift which results in an extension of the protein by 66 amino acids. Consensus agreement among computation tools predict no significant impact on normal splicing. However, these predictions have yet to be confirmed by functional studies. The variant allele was found at a frequency of 8e-06 in 251340 control chromosomes. c.340delA has been reported in the literature in individuals affected with VAMP1-Related Disorders (Shen_2019). These data indicate that the variant may be associated with disease. At least one publication reports experimental evidence evaluating an impact on protein function. The most pronounced variant effect results in decreased expression and reduced depolarization-evoked exocytosis (Shen_2019). The following publication have been ascertained in the context of this evaluation (PMID: 28168212). ClinVar contains an entry for this variant (Variation ID: 619001). Based on the evidence outlined above, the variant was classified as likely pathogenic.

GeneDx
Classification: Pathogenic. Last evaluated: 2023-07-27. Review status: criteria provided, single submitter. Criteria: GeneDx Variant Classification Process June 2021. Collection method: clinical testing. Allele origin: germline. Affected: yes.
Comment: Published functional studies demonstrate a damaging effect with inhibition of depolarization-evoked exocytosis (Shen et al., 2017); Frameshift variant predicted to result in protein truncation as the last 5 amino acids are replaced with 71 different amino acids, although loss-of-function variants have not been reported downstream of this position in the protein; This variant is associated with the following publications: (PMID: 28168212, 32616363)

Labcorp Genetics (formerly Invitae), Labcorp
Classification: Likely pathogenic for Spastic paraplegia. Last evaluated: 2022-08-27. Review status: criteria provided, single submitter. Criteria: Invitae Variant Classification Sherloc (09022015). Collection method: clinical testing. Allele origin: germline.
Comment: Algorithms developed to predict the effect of variants on protein structure and function are not available or were not evaluated for this variant. ClinVar contains an entry for this variant (Variation ID: 619001). This frameshift has been observed in individuals with clinical features of autosomal recessive VAMP1-related conditions (PMID: 28168212; Invitae). This variant is present in population databases (rs746220436, gnomAD 0.006%). This sequence change results in a frameshift in the VAMP1 gene (p.Ile114Serfs*72). While this is not anticipated to result in nonsense mediated decay, it is expected to disrupt the last 5 amino acid(s) of the VAMP1 protein and extend the protein by 66 additional amino acid residues. Experimental studies have shown that this frameshift affects VAMP1 function (PMID: 28168212). In summary, the currently available evidence indicates that the variant is pathogenic, but additional data are needed to prove that conclusively. Therefore, this variant has been classified as Likely Pathogenic. Algorithms developed to predict the effect of sequence changes on RNA splicing suggest that this variant may disrupt the consensus splice site.

Dasa
Classification: Likely pathogenic for Spastic ataxia 1. Last evaluated: 2022-08-10. Review status: criteria provided, single submitter. Criteria: ACMG Guidelines, 2015. Collection method: clinical testing. Allele origin: germline. Affected: yes. Observed: 1 variant allele.
Comment: The c.340del;p.(Ile114Serfs*72) is a null frameshift variant (NMD) in the VAMP1 gene without sufficient information about prediction of nonsense mediated mRNA decay (NMD); it is present in a relevant exon to the transcript, and disrupts < 10% of the protein product – PVS1_moderate. This sequence change has been observed in affected individual(s) and ClinVar contains an entry for this variant(ClinVar ID: 619001; PMID: 28168212) - PS4_supporting. The variant is present at low allele frequencies population databases (rs746220436 – gnomAD 0.0001314%; ABraOM no frequency) -PM2_supporting.The p.(Ile114Serfs*72) was detected in trans with a pathogenic variant (PMID:28168212) - PM3. In summary, the currently available evidence indicates that the variant is likely pathogenic.

Laboratorio de Genetica e Diagnostico Molecular, Hospital Israelita Albert Einstein
Classification: Likely pathogenic for Myasthenic syndrome, congenital, 25, presynaptic. Last evaluated: 2022-03-30. Review status: criteria provided, single submitter. Criteria: ACMG Guidelines, 2015. Collection method: clinical testing. Allele origin: germline. Affected: yes. Observed: 1 variant allele.
Comment: ACMG classification criteria: PVS1 moderated, PS3 supporting, PS4 supporting, PM2 moderated, PM3 moderated

Solve-RD Consortium
Classification: Likely pathogenic for Myasthenic syndrome, congenital, 25, presynaptic. Last evaluated: 2022-06-01. Review status: no assertion criteria provided. Collection method: provider interpretation. Allele origin: inherited. Affected: yes. Not counted in ClinVar's aggregate classification.
Comment: Variant confirmed as disease-causing by referring clinical team

Variant identified during reanalysis of unsolved cases by the Solve-RD project. The Solve-RD project has received funding from the European Union’s Horizon 2020 research and innovation programme under grant agreement No 779257.

OMIM
Classification: Pathogenic for MYASTHENIC SYNDROME, CONGENITAL, 25, PRESYNAPTIC. Last evaluated: 2019-04-09. Review status: no assertion criteria provided. Collection method: literature only. Allele origin: germline. Not counted in ClinVar's aggregate classification.

Literature cited by the submitters: PubMed 28168212 (cited by 5 submitters); PubMed 39825153 (cited by Solve-RD Consortium).